The following is an entry in ClinVar:

NM_024422.6(DSC2):c.1123C>T (p.Arg375Ter)

Gene: DSC2 (desmocollin 2; minus strand). Cytogenetic location: 18q12.1.
Variant type: single nucleotide variant.
Coding change: c.1123C>T on transcript NM_024422.6 (MANE Select); coding-DNA position 1123, C replaced by T.
Protein change: p.Arg375Ter; replaces arginine 375 with a stop codon.
Molecular consequence: nonsense.
Genome position (GRCh38, 1-based): chr18:31,082,378, G>A on the plus strand (C>T on the coding strand, the complement: DSC2 is on the minus strand). VCF-style: chr18-31082378-G-A. GRCh37 (hg19) VCF-style: chr18-28662344-G-A.
Other names: c.1123C>T, p.Arg375Ter (NM_004949.5); c.1123C>T (LRG_400t1, NM_024422.4); short protein forms R375*.
Identifiers: ClinVar variation 617896 (VCV000617896.44), dbSNP rs794728075, ClinGen allele CA16616735.

ClinVar aggregate classification (germline): Conflicting classifications of pathogenicity. Review status: criteria provided, conflicting classifications (1 of 4 stars). 8 submissions from 8 submitters: Pathogenic (5); Likely pathogenic (1); Uncertain significance (2). Last evaluated 2025-11-23.

Conditions:
Arrhythmogenic right ventricular dysplasia 11. Also called: Arrhythmogenic right ventricular dysplasia 11 with mild palmoplantar keratoderma and woolly hair; ARRHYTHMOGENIC RIGHT VENTRICULAR DYSPLASIA, FAMILIAL, 11; Arrhythmogenic Right Ventricular Dysplasia/Cardiomyopathy11. Identifiers: MedGen C1864850, MONDO:0012506, OMIM 610476.
Cardiovascular phenotype. Identifiers: MedGen CN230736.
Cardiomyopathy (CMYO). Also called: Cardiomyopathies. Identifiers: Orphanet 167848, MedGen C0878544, MONDO:0004994, HP:0001638. Inheritance: Various modes of inheritance.
Familial isolated arrhythmogenic right ventricular dysplasia. Identifiers: Orphanet 217656, MedGen C4274968, MONDO:0016342.

Allele frequency attached by ClinVar (database versions not stated): gnomAD exomes 0.00001; gnomAD 0.00001; TOPMed 0.00003.
gnomAD v4.1: 11 of 1,613,524 alleles (0.00068%); highest among the groups gnomAD compares: Admixed American, 0.0017%; no homozygotes.

Submissions (8):

Labcorp Genetics (formerly Invitae), Labcorp
Classification: Pathogenic for Arrhythmogenic right ventricular dysplasia 11. Last evaluated: 2025-11-23. Review status: criteria provided, single submitter. Criteria: Invitae Variant Classification Sherloc (09022015). Collection method: clinical testing. Allele origin: germline.
Comment: This sequence change creates a premature translational stop signal (p.Arg375*) in the DSC2 gene. It is expected to result in an absent or disrupted protein product. Loss-of-function variants in DSC2 are known to be pathogenic (PMID: 23911551). This variant is present in population databases (no rsID available, gnomAD 0.003%). This variant has not been reported in the literature in individuals affected with DSC2-related conditions. ClinVar contains an entry for this variant (Variation ID: 617896). For these reasons, this variant has been classified as Pathogenic.

GeneDx
Classification: Pathogenic. Last evaluated: 2025-11-20. Review status: criteria provided, single submitter. Criteria: GeneDx Variant Classification Process June 2021. Collection method: clinical testing. Allele origin: germline. Affected: yes.
Comment: Reported as an ACMG secondary finding in individuals who underwent whole exome sequencing; detailed clinical information was not provided (PMID: 31019283, 30122538, 37728764); Not observed at significant frequency in large population cohorts (gnomAD); Nonsense variant predicted to result in protein truncation or nonsense mediated decay in a gene for which loss of function is a known mechanism of disease; This variant is associated with the following publications: (PMID: 23911551, 30122538, 31402444, 32686758, 37728764, 33087929, 31019283, 39096151, 39611258, 39020067)

Ambry Genetics
Classification: Pathogenic for Cardiovascular phenotype. Last evaluated: 2025-05-07. Review status: criteria provided, single submitter. Criteria: Ambry Variant Classification Scheme 2023. Collection method: clinical testing. Allele origin: germline.
Comment: The c.1123C>T (p.R375*) alteration, located in exon 9 (coding exon 9) of the DSC2 gene, consists of a C to T substitution at nucleotide position 1123. This changes the amino acid from a arginine (R) to a stop codon at amino acid position 375. This alteration is expected to result in loss of function by premature protein truncation or nonsense-mediated mRNA decay. Based on data from gnomAD, the T allele has an overall frequency of 0.001% (2/251006) total alleles studied. The highest observed frequency was 0.003% (1/30612) of South Asian alleles. Based on the available evidence, this alteration is classified as pathogenic.

All of Us Research Program, National Institutes of Health
Classification: Uncertain significance for Familial isolated arrhythmogenic right ventricular dysplasia. Last evaluated: 2024-05-14. Review status: criteria provided, single submitter. Criteria: ACMG Guidelines, 2015. Collection method: clinical testing. Allele origin: germline. Inheritance: Autosomal dominant inheritance. Observed: 1 variant allele, 1 heterozygote.
Comment: This variant changes 1 nucleotide in exon 9 of the DSC2 gene, creating a premature translation stop signal. This variant is expected to result in an absent or non-functional protein product. This variant has been reported in a family from a rare disease cohort where the number of affected individuals and the phenotype were not disclosed (PMID: 37728764) and an individual not known to have an inherited cardiac condition (PMID: 32686758). This variant has also been observed in a few individuals with no clinical details (PMID: 31019283, 30122538). This variant has been identified in 2/251006 chromosomes in the general population by the Genome Aggregation Database (gnomAD). Although there is a suspicion for a pathogenic role, the clinical relevance of loss-of-function DSC2 truncation and splice variants in autosomal dominant arrhythmogenic cardiomyopathy is not yet clearly established. The available evidence is insufficient to determine the role of this variant in autosomal dominant disease conclusively. Therefore, this variant is classified as a Variant of Uncertain Significance.

This study involves interpretation of variants in research participants for the purpose of population health screening. Participant phenotype was not available at the time of variant classification. Additional details can be found in publication PMID: 35346344, PMCID: PMC8962531

Color Diagnostics, LLC DBA Color Health
Classification: Uncertain significance for Cardiomyopathy. Last evaluated: 2024-01-03. Review status: criteria provided, single submitter. Criteria: ACMG Guidelines, 2015. Collection method: clinical testing. Allele origin: germline.
Comment: This variant changes 1 nucleotide in exon 9 of the DSC2 gene, creating a premature translation stop signal. This variant is expected to result in an absent or non-functional protein product. This variant has been reported in a family from a rare disease cohort where the number of affected individuals and the phenotype were not disclosed (PMID: 37728764) and an individual not known to have an inherited cardiac condition (PMID: 32686758). This variant has also been observed in a few individuals with no clinical details (PMID: 31019283, 30122538). This variant has been identified in 2/251006 chromosomes in the general population by the Genome Aggregation Database (gnomAD). Although there is a suspicion for a pathogenic role, the clinical relevance of loss-of-function DSC2 truncation and splice variants in autosomal dominant arrhythmogenic cardiomyopathy is not yet clearly established. The available evidence is insufficient to determine the role of this variant in autosomal dominant disease conclusively. Therefore, this variant is classified as a Variant of Uncertain Significance.

Johns Hopkins Genomics, Johns Hopkins University
Classification: Pathogenic for Arrhythmogenic right ventricular dysplasia 11. Last evaluated: 2023-08-21. Review status: criteria provided, single submitter. Criteria: ACMG Guidelines, 2015. Collection method: clinical testing. Allele origin: germline.
Comment: This DSC2 variant (rs794728075) is rare (<0.1%) in a large population dataset (gnomADv2.1.1: 2/251006 total alleles; 0.0008%; no homozygotes) and has been reported in ClinVar and in the literature as a secondary finding following genomic-based testing. This nonsense variant results in a premature termination codon (PTC) in exon 9 of 16, likely leading to nonsense-mediated decay and lack of protein production. Bioinformatic analysis predicts that this missense variant would not affect normal exon 9 splicing, although this has not been confirmed experimentally to our knowledge. We consider c.1123C>T (p.Arg375Ter) to be pathogenic for arrhythmogenic right ventricular dysplasia/cardiomyopathy (ARVD/C).

Baylor Genetics
Classification: Pathogenic for Arrhythmogenic right ventricular dysplasia 11. Last evaluated: 2023-04-03. Review status: criteria provided, single submitter. Criteria: ACMG Guidelines, 2015. Collection method: clinical testing. Allele origin: unknown.

CeGaT Center for Human Genetics Tuebingen
Classification: Likely pathogenic. Last evaluated: 2023-04-01. Review status: criteria provided, single submitter. Criteria: CeGaT Center For Human Genetics Tuebingen Variant Classification Criteria Version 2. Collection method: clinical testing. Allele origin: germline. Affected: yes. Observed: 2 variant alleles.
Comment: DSC2: PVS1

Literature cited by the submitters: PubMed 23911551 (cited by Labcorp Genetics (formerly Invitae), Labcorp and Johns Hopkins Genomics, Johns Hopkins University); PubMed 30122538 (cited by 3 submitters); PubMed 31019283 (cited by All of Us Research Program, National Institutes of Health and Color Diagnostics, LLC DBA Color Health); PubMed 32686758 (cited by 3 submitters); PubMed 37728764 (cited by All of Us Research Program, National Institutes of Health and Color Diagnostics, LLC DBA Color Health); PubMed 34012068 (cited by Johns Hopkins Genomics, Johns Hopkins University).